The following is an entry in ClinVar:

NM_016006.6(ABHD5):c.*281C>A

Gene: ABHD5 (abhydrolase domain containing 5, lysophosphatidic acid acyltransferase; plus strand). Cytogenetic location: 3p21.33.
Variant type: single nucleotide variant.
Coding change: c.*281C>A on transcript NM_016006.6 (MANE Select); 281 bases downstream of the stop codon, C replaced by A.
Molecular consequence: 3 prime UTR variant. On other transcripts: non-coding transcript variant (1), intron variant (1).
Genome position (GRCh38, 1-based): chr3:43,718,813, C>A. VCF-style: chr3-43718813-C-A. GRCh37 (hg19) VCF-style: chr3-43760305-C-A.
Other names: c.*281C>A (NM_001365649.1); c.*307C>A (NM_001365650.1); c.29+252C>A (NM_001355186.2).
Identifiers: ClinVar variation 345229 (VCV000345229.7), dbSNP rs34226283, ClinGen allele CA10615881.

ClinVar aggregate classification (germline): Benign. Review status: criteria provided, multiple submitters, no conflicts (2 of 4 stars). 3 submissions from 3 submitters: Benign (3). Last evaluated 2018-06-28.

Conditions:
Triglyceride storage disease with ichthyosis (CDS). Also called: Dorfman-Chanarin disease; ICHTHYOSIFORM ERYTHRODERMA WITH LEUKOCYTE VACUOLATION; TRIGLYCERIDE STORAGE DISEASE WITH IMPAIRED LONG-CHAIN FATTY ACID OXIDATION; Chanarin-Dorfman Syndrome. Identifiers: Orphanet 98907, MedGen C0268238, MONDO:0010155, OMIM 275630.

Allele frequency attached by ClinVar (database versions not stated): gnomAD exomes 0.03979; gnomAD 0.04705 and 0.05073; TOPMed 0.05544; 1000 Genomes Project 0.08966; 1000 Genomes Project 30x 0.09010.
gnomAD v4.1: 14,715 of 328,666 alleles (4.5%); highest among the groups gnomAD compares: East Asian, 12%; 586 homozygotes.

Submissions (3):

GeneDx
Classification: Benign. Last evaluated: 2018-06-28. Review status: criteria provided, single submitter. Criteria: GeneDx Variant Classification Process June 2021. Collection method: clinical testing. Allele origin: germline. Affected: yes.

Illumina Laboratory Services, Illumina
Classification: Benign for Triglyceride storage disease with ichthyosis. Last evaluated: 2018-01-12. Review status: criteria provided, single submitter. Criteria: ICSL Variant Classification Criteria 13 December 2019. Collection method: clinical testing. Allele origin: germline.
Comment: This variant was observed in the ICSL laboratory as part of a predisposition screen in an ostensibly healthy population. It had not been previously curated by ICSL or reported in the Human Gene Mutation Database (HGMD: prior to June 1st, 2018), and was therefore a candidate for classification through an automated scoring system. Utilizing variant allele frequency, disease prevalence and penetrance estimates, and inheritance mode, an automated score was calculated to assess if this variant is too frequent to cause the disease. Based on the score and internal cut-off values, a variant classified as benign is not then subjected to further curation. The score for this variant resulted in a classification of benign for this disease.

Breakthrough Genomics
Classification: Benign. Review status: criteria provided, single submitter. Criteria: ACMG Guidelines, 2015. Collection method: not provided. Allele origin: germline. Inheritance: Autosomal recessive inheritance. Affected: yes.